The following is an entry in ClinVar:

NM_001113378.2(FANCI):c.1573_1574del (p.Met525fs)

Gene: FANCI (FA complementation group I; plus strand). Cytogenetic location: 15q26.1.
Variant type: Deletion.
Coding change: c.1573_1574del on transcript NM_001113378.2 (MANE Select); coding-DNA positions 1573 to 1574, 2 bases deleted (AT; older notation c.1573_1574delAT).
Protein change: p.Met525fs; shifts the reading frame from methionine 525.
Molecular consequence: frameshift variant.
Genome position (GRCh38, 1-based): chr15:89,281,825-89,281,826, AT deleted; deleting any 2 consecutive bases within chr15:89,281,824-89,281,826 gives the same sequence; the c. name uses the placement nearest the transcript's 3' end. VCF-style (leftmost placement, unchanged base first): chr15-89281823-CTA-C. GRCh37 (hg19) VCF-style: chr15-89825054-CTA-C.
Other names: c.1294_1295del, p.Met432fs (NM_001376910.1); c.1573_1574del, p.Met525fs (NM_001376911.1, NM_018193.3); short protein forms M525fs, M432fs.
Identifiers: ClinVar variation 3673120 (VCV003673120.2).

ClinVar aggregate classification (germline): Pathogenic (1 of 4 stars; one submission).

Conditions:
Fanconi anemia (FA). Also called: Fanconi's anemia. Identifiers: Orphanet 84, MedGen C0015625, MeSH D005199, MONDO:0019391.

Submission:

Labcorp Genetics (formerly Invitae), Labcorp
Classification: Pathogenic for Fanconi anemia. Last evaluated: 2024-08-13. Review status: criteria provided, single submitter. Criteria: Invitae Variant Classification Sherloc (09022015). Collection method: clinical testing. Allele origin: germline.
Comment: This sequence change creates a premature translational stop signal (p.Met525Valfs*6) in the FANCI gene. It is expected to result in an absent or disrupted protein product. Loss-of-function variants in FANCI are known to be pathogenic (PMID: 17452773, 17460694). This variant is not present in population databases (gnomAD no frequency). This variant has not been reported in the literature in individuals affected with FANCI-related conditions. For these reasons, this variant has been classified as Pathogenic.

Literature cited by the submitters: PubMed 17452773; PubMed 17460694.